The following is an entry in ClinVar:

NM_003900.5(SQSTM1):c.904G>C (p.Gly302Arg)

Gene: SQSTM1 (sequestosome 1; plus strand). Cytogenetic location: 5q35.3.
Variant type: single nucleotide variant.
Coding change: c.904G>C on transcript NM_003900.5 (MANE Select); coding-DNA position 904, G replaced by C.
Protein change: p.Gly302Arg; replaces glycine 302 with arginine.
Molecular consequence: missense variant.
Genome position (GRCh38, 1-based): chr5:179,833,181, G>C. VCF-style: chr5-179833181-G-C. GRCh37 (hg19) VCF-style: chr5-179260181-G-C.
Other names: c.652G>C, p.Gly218Arg (NM_001142298.2, NM_001142299.2); short protein forms G218R, G302R.
Identifiers: ClinVar variation 3748048 (VCV003748048.2).
Genomic context (GRCh38, chr5:179,833,181, plus strand): 5'-AGCAGCTCACAGCCAAGCAGCTGCTGCTCTGACCCCAGCAAGCCGGGTGGGAATGTTGAG[G>C]GCGCCACGCAGTCTCTGGCGGAGCAGATGAGGAAGATCGCCTTGGAGTCCGAGGGGCGCC-3'
Protein context (NP_003891.1, residues 292-312): DPSKPGGNVE[Gly302Arg]ATQSLAEQMR

ClinVar aggregate classification (germline): Uncertain significance (1 of 4 stars; one submission).

Conditions:
Frontotemporal dementia and/or amyotrophic lateral sclerosis 1 (FTDALS1). Also called: Frontotemporal dementia with motor neuron disease 1; C9orf72 Frontotemporal Dementia and/or Amyotrophic Lateral Sclerosis. Identifiers: Orphanet 275872, MedGen C5779877, MONDO:0007105, OMIM 105550.
Paget disease of bone 2, early-onset (PDB2). Also called: Paget disease of bone 2. Identifiers: MedGen C4085251, MONDO:0011183, OMIM 602080.

Submission:

Labcorp Genetics (formerly Invitae), Labcorp
Classification: Uncertain significance for Paget disease of bone 2, early-onset; Frontotemporal dementia and/or amyotrophic lateral sclerosis 1. Last evaluated: 2024-08-31. Review status: criteria provided, single submitter. Criteria: Invitae Variant Classification Sherloc (09022015). Collection method: clinical testing. Allele origin: germline.
Comment: This sequence change replaces glycine, which is neutral and non-polar, with arginine, which is basic and polar, at codon 302 of the SQSTM1 protein (p.Gly302Arg). This variant is not present in population databases (gnomAD no frequency). This variant has not been reported in the literature in individuals affected with SQSTM1-related conditions. Invitae Evidence Modeling of protein sequence and biophysical properties (such as structural, functional, and spatial information, amino acid conservation, physicochemical variation, residue mobility, and thermodynamic stability) indicates that this missense variant is not expected to disrupt SQSTM1 protein function with a negative predictive value of 80%. In summary, the available evidence is currently insufficient to determine the role of this variant in disease. Therefore, it has been classified as a Variant of Uncertain Significance.